The following is an entry in ClinVar:

NM_003738.5(PTCH2):c.2371+10G>A

Gene: PTCH2 (patched 2; minus strand). Cytogenetic location: 1p34.1.
Variant type: single nucleotide variant.
Coding change: c.2371+10G>A on transcript NM_003738.5 (MANE Select); 10 bases into the intron after coding-DNA position 2371, G replaced by A.
Molecular consequence: intron variant.
Genome position (GRCh38, 1-based): chr1:44,827,392, C>T on the plus strand (G>A on the coding strand, the complement: PTCH2 is on the minus strand). VCF-style: chr1-44827392-C-T. GRCh37 (hg19) VCF-style: chr1-45293064-C-T.
Other names: c.2371+10G>A (NM_001166292.2).
Identifiers: ClinVar variation 3353348 (VCV003353348.1).

ClinVar aggregate classification (germline): Likely benign (0 of 4 stars; one submission).

Conditions:
PTCH2-related disorder. Also called: PTCH2-related disease; PTCH2-related condition.

gnomAD v4.1: 24 of 1,613,832 alleles (0.0015%); highest among the groups gnomAD compares: East Asian, 0.0067%; no homozygotes.

Submission:

PreventionGenetics, part of Exact Sciences
Classification: Likely benign for PTCH2-related condition. Last evaluated: 2024-05-29. Review status: no assertion criteria provided. Collection method: clinical testing. Allele origin: germline.
Comment: This variant is classified as likely benign based on ACMG/AMP sequence variant interpretation guidelines (Richards et al. 2015 PMID: 25741868, with internal and published modifications).